The following is an entry in ClinVar:

ClinVar aggregate classification (germline): Uncertain significance (1 of 4 stars; one submission).

Allele frequency attached by ClinVar (database versions not stated): gnomAD exomes below 0.00001.
gnomAD v4.1: 2 of 1,612,586 alleles (0.00012%); highest among the groups gnomAD compares: Non-Finnish European, 0.00017%; no homozygotes.

Submission:

Labcorp Genetics (formerly Invitae), Labcorp
Classification: Uncertain significance. Last evaluated: 2022-08-03. Review status: criteria provided, single submitter. Criteria: Invitae Variant Classification Sherloc (09022015). Collection method: clinical testing. Allele origin: germline.
Comment: In summary, the available evidence is currently insufficient to determine the role of this variant in disease. Therefore, it has been classified as a Variant of Uncertain Significance. Algorithms developed to predict the effect of missense changes on protein structure and function are either unavailable or do not agree on the potential impact of this missense change (SIFT: "Deleterious"; PolyPhen-2: "Benign"; Align-GVGD: "Class C0"). This variant has not been reported in the literature in individuals affected with CNGA1-related conditions. This variant is not present in population databases (gnomAD no frequency). This sequence change replaces leucine, which is neutral and non-polar, with proline, which is neutral and non-polar, at codon 201 of the CNGA1 protein (p.Leu201Pro).

NM_001379270.1(CNGA1):c.590T>C (p.Leu197Pro)

Genes: CNGA1 (cyclic nucleotide gated channel subunit alpha 1; minus strand), LOC101927157 (uncharacterized LOC101927157; plus strand). Cytogenetic location: 4p12.
Variant type: single nucleotide variant.
Coding change: c.590T>C on transcript NM_001379270.1 (MANE Select); coding-DNA position 590, T replaced by C.
Protein change: p.Leu197Pro; replaces leucine 197 with proline.
Molecular consequence: missense variant.
Genome position (GRCh38, 1-based): chr4:47,940,825, A>G on the plus strand (T>C on the coding strand, the complement: CNGA1 is on the minus strand). VCF-style: chr4-47940825-A-G. GRCh37 (hg19) VCF-style: chr4-47942842-A-G.
Other names: c.590T>C, p.Leu197Pro (NM_000087.5, NM_001142564.2); c.602T>C, p.Leu201Pro (NM_001375386.1); short protein forms L197P, L201P.
Identifiers: ClinVar variation 1714869 (VCV001714869.5), dbSNP rs2475768872, ClinGen allele CA356830940.